The following is an entry in ClinVar:

NM_006031.6(PCNT):c.7977G>C (p.Gln2659His)

Gene: PCNT (pericentrin; plus strand). Cytogenetic location: 21q22.3.
Variant type: single nucleotide variant.
Coding change: c.7977G>C on transcript NM_006031.6 (MANE Select); coding-DNA position 7977, G replaced by C.
Protein change: p.Gln2659His; replaces glutamine 2659 with histidine.
Molecular consequence: missense variant.
Genome position (GRCh38, 1-based): chr21:46,430,570, G>C. VCF-style: chr21-46430570-G-C. GRCh37 (hg19) VCF-style: chr21-47850484-G-C.
Other names: c.7623G>C, p.Gln2541His (NM_001315529.2); short protein forms Q2659H, Q2541H.
Identifiers: ClinVar variation 159670 (VCV000159670.27), dbSNP rs2070426, ClinGen allele CA173115.

ClinVar aggregate classification (germline): Benign. Review status: criteria provided, multiple submitters, no conflicts (2 of 4 stars). 10 submissions from 10 submitters: Benign (9). 1 of the submissions does not count toward it. Last evaluated 2026-02-04.

Conditions:
Microcephalic osteodysplastic primordial dwarfism type II (MOPD2). Also called: MOPD II; OSTEODYSPLASTIC PRIMORDIAL DWARFISM, TYPE II; Microcephalic osteodysplastic primordial dwarfism with tooth abnormalities. Identifiers: Orphanet 2637, MedGen C0432246, MONDO:0008872, OMIM 210720.

Allele frequency attached by ClinVar (database versions not stated): 1000 Genomes Project 30x 0.48360; ESP Exome Variant Server 0.48408; TOPMed 0.48439; gnomAD 0.48521; 1000 Genomes Project 0.48822; gnomAD exomes 0.52552; ExAC 0.57743.
gnomAD v4.1: 838,884 of 1,559,684 alleles (54%); highest among the groups gnomAD compares: East Asian, 67%; 228,653 homozygotes.

Submissions (10):

Labcorp Genetics (formerly Invitae), Labcorp
Classification: Benign. Last evaluated: 2026-02-04. Review status: criteria provided, single submitter. Criteria: Invitae Variant Classification Sherloc (09022015). Collection method: clinical testing. Allele origin: germline.

Blueprint Genetics
Classification: Benign. Last evaluated: 2024-11-28. Review status: criteria provided, single submitter. Criteria: ACMG Guidelines, 2015. Collection method: clinical testing. Allele origin: germline.

Genome-Nilou Lab
Classification: Benign for Microcephalic osteodysplastic primordial dwarfism type II. Last evaluated: 2021-09-05. Review status: criteria provided, single submitter. Criteria: ACMG Guidelines, 2015. Collection method: clinical testing. Allele origin: germline. Affected: no.

Illumina Laboratory Services, Illumina
Classification: Benign for Microcephalic osteodysplastic primordial dwarfism type II. Last evaluated: 2018-01-13. Review status: criteria provided, single submitter. Criteria: ICSL Variant Classification Criteria 13 December 2019. Collection method: clinical testing. Allele origin: germline.
Comment: This variant was observed in the ICSL laboratory as part of a predisposition screen in an ostensibly healthy population. It had not been previously curated by ICSL or reported in the Human Gene Mutation Database (HGMD: prior to June 1st, 2018), and was therefore a candidate for classification through an automated scoring system. Utilizing variant allele frequency, disease prevalence and penetrance estimates, and inheritance mode, an automated score was calculated to assess if this variant is too frequent to cause the disease. Based on the score and internal cut-off values, a variant classified as benign is not then subjected to further curation. The score for this variant resulted in a classification of benign for this disease.

Clinical Genetics DNA and cytogenetics Diagnostics Lab, Erasmus MC, Erasmus Medical Center
Classification: Benign for Microcephalic osteodysplastic primordial dwarfism type II. Last evaluated: 2017-05-31. Review status: criteria provided, single submitter. Criteria: ACGS Guidelines, 2013. Collection method: clinical testing. Allele origin: germline. Affected: yes. Study: VKGL Data-share Consensus.

GeneDx
Classification: Benign. Last evaluated: 2015-03-03. Review status: criteria provided, single submitter. Criteria: GeneDx Variant Classification Process June 2021. Collection method: clinical testing. Allele origin: germline. Affected: yes.

Eurofins Ntd Llc (ga)
Classification: Benign. Last evaluated: 2014-11-23. Review status: criteria provided, single submitter. Criteria: EGL Classification Definitions 2015. Collection method: clinical testing. Allele origin: germline. Observed: 3 variant alleles, 3 heterozygotes.

Genetic Services Laboratory, University of Chicago
Classification: Benign. Last evaluated: 2013-02-08. Review status: criteria provided, single submitter. Criteria: ACMG Guidelines, 2007. Collection method: clinical testing. Allele origin: germline. Inheritance: Autosomal recessive inheritance.

Breakthrough Genomics
Classification: Benign. Review status: criteria provided, single submitter. Criteria: ACMG Guidelines, 2015. Collection method: not provided. Allele origin: germline. Inheritance: Autosomal recessive inheritance. Affected: yes.

Diagnostic Laboratory, Department of Genetics, University Medical Center Groningen
Classification: Benign for Microcephalic osteodysplastic primordial dwarfism type II. Review status: no assertion criteria provided. Collection method: clinical testing. Allele origin: germline. Affected: yes. Study: VKGL Data-share Consensus. Not counted in ClinVar's aggregate classification.